The following is an entry in ClinVar:

NM_001378120.1(MBD5):c.1382G>T (p.Arg461Leu)

Gene: MBD5 (methyl-CpG binding domain protein 5; plus strand). Cytogenetic location: 2q23.1.
Variant type: single nucleotide variant.
Coding change: c.1382G>T on transcript NM_001378120.1 (MANE Select); coding-DNA position 1382, G replaced by T.
Protein change: p.Arg461Leu; replaces arginine 461 with leucine.
Molecular consequence: missense variant.
Genome position (GRCh38, 1-based): chr2:148,469,325, G>T. VCF-style: chr2-148469325-G-T. GRCh37 (hg19) VCF-style: chr2-149226894-G-T.
Other names: c.1382G>T, p.Arg461Leu (NM_018328.5); short protein forms R461L.
Identifiers: ClinVar variation 3687109 (VCV003687109.2).
Genomic context (GRCh38, chr2:148,469,325, plus strand): 5'-CCCCCGTGCACATGATGGGGACTGGAATTGGAAGGATTGAGGCATCGCCCCAAAGATCAC[G>T]CTCATCTTCCACATCATCAGATCATGGAAATTTCATGATGCCACCTGTAGGACCCCAGGC-3'
Protein context (NP_001365049.1, residues 451-471): GRIEASPQRS[Arg461Leu]SSSTSSDHGN

ClinVar aggregate classification (germline): Uncertain significance (1 of 4 stars; one submission).

Conditions:
Intellectual developmental disorder, autosomal dominant 1. Also called: MBD5 Haploinsufficiency; Intellectual disability, autosomal dominant 1. Identifiers: Orphanet 228402, MedGen C1969562, MONDO:0007974, OMIM 156200.

Submission:

Labcorp Genetics (formerly Invitae), Labcorp
Classification: Uncertain significance for Intellectual developmental disorder, autosomal dominant 1. Last evaluated: 2024-06-29. Review status: criteria provided, single submitter. Criteria: Invitae Variant Classification Sherloc (09022015). Collection method: clinical testing. Allele origin: germline.
Comment: This sequence change replaces arginine, which is basic and polar, with leucine, which is neutral and non-polar, at codon 461 of the MBD5 protein (p.Arg461Leu). This variant is not present in population databases (gnomAD no frequency). This variant has not been reported in the literature in individuals affected with MBD5-related conditions. Advanced modeling of protein sequence and biophysical properties (such as structural, functional, and spatial information, amino acid conservation, physicochemical variation, residue mobility, and thermodynamic stability) has been performed at Invitae for this missense variant, however the output from this modeling did not meet the statistical confidence thresholds required to predict the impact of this variant on MBD5 protein function. In summary, the available evidence is currently insufficient to determine the role of this variant in disease. Therefore, it has been classified as a Variant of Uncertain Significance.